The following is an entry in ClinVar:

NM_020719.3(PRR12):c.4289T>C (p.Val1430Ala)

Gene: PRR12 (proline rich 12; plus strand). Cytogenetic location: 19q13.33.
Variant type: single nucleotide variant.
Coding change: c.4289T>C on transcript NM_020719.3 (MANE Select); coding-DNA position 4289, T replaced by C.
Protein change: p.Val1430Ala; replaces valine 1430 with alanine.
Molecular consequence: missense variant.
Genome position (GRCh38, 1-based): chr19:49,599,882, T>C. VCF-style: chr19-49599882-T-C. GRCh37 (hg19) VCF-style: chr19-50103139-T-C.
Other names: short protein forms V1430A.
Identifiers: ClinVar variation 4076222 (VCV004076222.1).

ClinVar aggregate classification (germline): Uncertain significance (1 of 4 stars; one submission).

Conditions:
Neuroocular syndrome 1 (NOC1). Identifiers: Orphanet 659904, MedGen C5925133, MONDO:0971007, OMIM 619539.

Submission:

Laboratorio de Genetica e Diagnostico Molecular, Hospital Israelita Albert Einstein
Classification: Uncertain significance for Neuroocular syndrome 1. Last evaluated: 2024-01-31. Review status: criteria provided, single submitter. Criteria: ACMG Guidelines, 2015. Collection method: clinical testing. Allele origin: germline. Affected: yes.
Comment: ACMG classification criteria: PM2 moderate, BP4 supporting